The following is an entry in ClinVar:

NM_024570.4(RNASEH2B):c.64+80C>T

Genes: RNASEH2B (ribonuclease H2 subunit B; plus strand), RNASEH2B-AS1 (RNASEH2B antisense RNA 1; minus strand), LOC130009810 (ATAC-STARR-seq lymphoblastoid silent region 5362; plus strand). Cytogenetic location: 13q14.3.
Variant type: single nucleotide variant.
Coding change: c.64+80C>T on transcript NM_024570.4 (MANE Select); 80 bases into the intron after coding-DNA position 64, C replaced by T.
Molecular consequence: intron variant.
Genome position (GRCh38, 1-based): chr13:50,910,220, C>T. VCF-style: chr13-50910220-C-T. GRCh37 (hg19) VCF-style: chr13-51484356-C-T.
Other names: c.64+80C>T (NM_001142279.2).
Identifiers: ClinVar variation 1246133 (VCV001246133.5), dbSNP rs2274069, ClinGen allele CA13926517.
Genomic context (GRCh38, chr13:50,910,220, plus strand): 5'-CGGCGGGGTCGGCCCAAGAACTGGCGGAGCGGCCCGCGACCCCGGGCGCGCCGCCCCCCA[C>T]CCCGGTGGCTCCCACTACCCGGCCCGGCGCGGGATGGGATTCTCTCTGGGACAGCTGGCC-3'

ClinVar aggregate classification (germline): Benign. Review status: criteria provided, multiple submitters, no conflicts (2 of 4 stars). 3 submissions from 3 submitters: Benign (3). Last evaluated 2024-01-24.

Allele frequency attached by ClinVar (database versions not stated): 1000 Genomes Project 0.54413; 1000 Genomes Project 30x 0.54731; gnomAD 0.61626 and 0.62654; TOPMed 0.61925.

Submissions (3):

Unidad de Genómica Garrahan, Hospital de Pediatría Garrahan
Classification: Benign. Last evaluated: 2024-01-24. Review status: criteria provided, single submitter. Criteria: ACMG Guidelines, 2015. Collection method: clinical testing. Allele origin: germline. Affected: no. Observed: 54 variant alleles.
Comment: This variant is classified as Benign based on local population frequency. This variant was detected in 61% of patients studied by a panel of primary immunodeficiencies. Number of patients: 54. Only high quality variants are reported.

GeneDx
Classification: Benign. Last evaluated: 2021-01-12. Review status: criteria provided, single submitter. Criteria: GeneDx Variant Classification Process June 2021. Collection method: clinical testing. Allele origin: germline. Affected: yes.

Breakthrough Genomics
Classification: Benign. Review status: criteria provided, single submitter. Criteria: ACMG Guidelines, 2015. Collection method: not provided. Allele origin: germline. Inheritance: Autosomal recessive inheritance. Affected: yes.